The following is an entry in ClinVar:

ClinVar aggregate classification (germline): Likely pathogenic (1 of 4 stars; one submission).

Submission:

GeneDx
Classification: Likely pathogenic. Last evaluated: 2019-01-22. Review status: criteria provided, single submitter. Criteria: GeneDx Variant Classification (06012015). Collection method: clinical testing. Allele origin: germline. Affected: yes.
Comment: The c.1634dupT variant in the CKAP2L gene has not been reported previously as a pathogenic variant nor as a benign variant, to our knowledge. The c.1634dupT variant causes a frameshift starting with codon Leucine 545, changes this amino acid to a Phenylalanine residue, and creates a premature Stop codon at position 6 of the new reading frame, denoted p.Leu545PhefsX6. This variant is predicted to cause loss of normal protein function either through protein truncation or nonsense-mediated mRNA decay. The c.1634dupT variant is not observed in large population cohorts (Lek et al., 2016). We interpret c.1634dupT as a likely pathogenic variant.

NM_152515.5(CKAP2L):c.1634dup (p.Leu545fs)

Gene: CKAP2L (cytoskeleton associated protein 2 like; minus strand). Cytogenetic location: 2q14.1.
Variant type: Duplication.
Coding change: c.1634dup on transcript NM_152515.5 (MANE Select); coding-DNA position 1634, one base duplicated (T; older notation c.1634dupT).
Protein change: p.Leu545fs; shifts the reading frame from leucine 545.
Molecular consequence: frameshift variant. On other transcripts: non-coding transcript variant (1).
Genome position (GRCh38, 1-based): chr2:112,746,544, A duplicated on the plus strand (T on the coding strand, the reverse complement: CKAP2L is on the minus strand); the first of 2 consecutive A bases (chr2:112,746,544-112,746,545); duplicating either gives the same sequence. VCF-style (leftmost placement, unchanged base first): chr2-112746543-C-CA. GRCh37 (hg19) VCF-style: chr2-113504120-C-CA.
Other names: c.1139dup, p.Leu380fs (NM_001304361.2); short protein forms L545fs, L380fs.
Identifiers: ClinVar variation 817428 (VCV000817428.1), dbSNP rs1574326802, ClinGen allele CA915942786.
Genomic context (GRCh38, chr2:112,746,543, plus strand): 5'-CAACAACTTTGCTTTGCAGATCCAGAATTTAGCAAATTTTTCAGCTTCAGGAATGCTGGA[C>CA]AATATGTTAAGTATTTCATTAGAAGGTACACCCTGAAATAAACCAAAATATCCAGAGGTA-3'